The following is an entry in ClinVar:

ClinVar aggregate classification (germline): Pathogenic/Likely pathogenic. Review status: criteria provided, multiple submitters, no conflicts (2 of 4 stars). 3 submissions from 3 submitters: Pathogenic (1); Likely pathogenic (2). Last evaluated 2025-01-30.

Conditions:
Autism spectrum disorder - epilepsy - arthrogryposis syndrome (AMRS). Identifiers: Orphanet 370943, MedGen C3809910, MONDO:0014248, OMIM 615553.

Allele frequency attached by ClinVar (database versions not stated): gnomAD exomes below 0.00001; TOPMed below 0.00001.
gnomAD v4.1: 5 of 1,612,310 alleles (0.00031%); highest among the groups gnomAD compares: South Asian, 0.0011%; no homozygotes.

Submissions (3):

Natera, Inc.
Classification: Likely pathogenic for Arthrogryposis, mental retardation, and seizures. Last evaluated: 2025-01-30. Review status: criteria provided, single submitter. Criteria: Natera Variant Classification Schema (03/2026). Collection method: clinical testing. Allele origin: germline.
Comment: The c.724C>T variant in SLC35A3 is a nonsense variant predicted to introduce a stop codon at amino acid 242. This variant is expected to result in nonsense mediated decay, truncation, or a dysfunctional protein product. This variant is rare in the general population with a frequency below the threshold expected for the associated phenotype(s). Given the available evidence, this variant is classified as Likely Pathogenic.

Fulgent Genetics
Classification: Likely pathogenic for Autism spectrum disorder - epilepsy - arthrogryposis syndrome. Last evaluated: 2024-02-12. Review status: criteria provided, single submitter. Criteria: ACMG Guidelines, 2015. Collection method: clinical testing. Allele origin: germline.

Labcorp Genetics (formerly Invitae), Labcorp
Classification: Pathogenic for Autism spectrum disorder - epilepsy - arthrogryposis syndrome. Last evaluated: 2023-07-15. Review status: criteria provided, single submitter. Criteria: Invitae Variant Classification Sherloc (09022015). Collection method: clinical testing. Allele origin: germline.
Comment: For these reasons, this variant has been classified as Pathogenic. This variant has not been reported in the literature in individuals affected with SLC35A3-related conditions. ClinVar contains an entry for this variant (Variation ID: 959238). This variant is not present in population databases (gnomAD no frequency). This sequence change creates a premature translational stop signal (p.Arg242*) in the SLC35A3 gene. It is expected to result in an absent or disrupted protein product. Loss-of-function variants in SLC35A3 are known to be pathogenic (PMID: 24031089, 28328131).

Literature cited by the submitters: PubMed 24031089 (cited by Labcorp Genetics (formerly Invitae), Labcorp); PubMed 28328131 (cited by Labcorp Genetics (formerly Invitae), Labcorp).

NM_012243.3(SLC35A3):c.724C>T (p.Arg242Ter)

Gene: SLC35A3 (solute carrier family 35 member A3; plus strand). Cytogenetic location: 1p21.2.
Variant type: single nucleotide variant.
Coding change: c.724C>T on transcript NM_012243.3 (MANE Select); coding-DNA position 724, C replaced by T.
Protein change: p.Arg242Ter; replaces arginine 242 with a stop codon.
Molecular consequence: nonsense. On other transcripts: intron variant (1).
Genome position (GRCh38, 1-based): chr1:100,015,391, C>T. VCF-style: chr1-100015391-C-T. GRCh37 (hg19) VCF-style: chr1-100480947-C-T.
Other names: c.850C>T, p.Arg284Ter (NM_001271685.2); c.634+3858C>T (NM_001271684.2); short protein forms R284*, R242*.
Identifiers: ClinVar variation 959238 (VCV000959238.9), dbSNP rs1660025629, ClinGen allele CA341315906.